The following is an entry in ClinVar:

ClinVar aggregate classification (germline): Uncertain significance (1 of 4 stars; one submission).

Allele frequency attached by ClinVar (database versions not stated): TOPMed below 0.00001.

Submission:

Labcorp Genetics (formerly Invitae), Labcorp
Classification: Uncertain significance. Last evaluated: 2022-07-14. Review status: criteria provided, single submitter. Criteria: Invitae Variant Classification Sherloc (09022015). Collection method: clinical testing. Allele origin: germline.
Comment: This sequence change replaces serine, which is neutral and polar, with asparagine, which is neutral and polar, at codon 3171 of the UNC80 protein (p.Ser3171Asn). This variant is not present in population databases (gnomAD no frequency). This variant has not been reported in the literature in individuals affected with UNC80-related conditions. Algorithms developed to predict the effect of missense changes on protein structure and function are either unavailable or do not agree on the potential impact of this missense change (SIFT: "Not Available"; PolyPhen-2: "Benign"; Align-GVGD: "Not Available"). In summary, the available evidence is currently insufficient to determine the role of this variant in disease. Therefore, it has been classified as a Variant of Uncertain Significance.

NM_001371986.1(UNC80):c.9710G>A (p.Ser3237Asn)

Gene: UNC80 (unc-80 homolog, NALCN channel complex subunit; plus strand). Cytogenetic location: 2q34.
Variant type: single nucleotide variant.
Coding change: c.9710G>A on transcript NM_001371986.1 (MANE Select); coding-DNA position 9710, G replaced by A.
Protein change: p.Ser3237Asn; replaces serine 3237 with asparagine.
Molecular consequence: missense variant.
Genome position (GRCh38, 1-based): chr2:209,995,330, G>A. VCF-style: chr2-209995330-G-A. GRCh37 (hg19) VCF-style: chr2-210860054-G-A.
Other names: c.9512G>A, p.Ser3171Asn (NM_032504.2); c.9440G>A, p.Ser3147Asn (NM_182587.4); short protein forms S3147N, S3237N, S3171N.
Identifiers: ClinVar variation 1961098 (VCV001961098.2), dbSNP rs1222280792, ClinGen allele CA350416126.